The following is an entry in ClinVar:

ClinVar aggregate classification (germline): Uncertain significance. Review status: criteria provided, multiple submitters, no conflicts (2 of 4 stars). 2 submissions from 2 submitters: Uncertain significance (2). Last evaluated 2025-03-19.

Conditions:
Angelman syndrome (AS). Also called: HAPPY PUPPET SYNDROME. Identifiers: Orphanet 72, MedGen C0162635, MONDO:0007113, OMIM 105830. Disease mechanism: loss of function. Inheritance: imprinting disorder, AS is caused by disruption of maternally imprinted UBE3A located within the 15q11.2-q13 Angelman syndrome/Prader-Willi syndrome (AS/PWS) region..

Allele frequency attached by ClinVar (database versions not stated): gnomAD exomes below 0.00001; TOPMed below 0.00001; gnomAD 0.00001; ExAC 0.00002.
gnomAD v4.1: 7 of 1,613,860 alleles (0.00043%); highest among the groups gnomAD compares: Non-Finnish European, 0.00051%; no homozygotes.

Submissions (2):

Labcorp Genetics (formerly Invitae), Labcorp
Classification: Uncertain significance for Angelman syndrome. Last evaluated: 2025-03-19. Review status: criteria provided, single submitter. Criteria: Invitae Variant Classification Sherloc (09022015). Collection method: clinical testing. Allele origin: germline.
Comment: This sequence change replaces arginine, which is basic and polar, with glutamine, which is neutral and polar, at codon 145 of the UBE3A protein (p.Arg145Gln). This variant is present in population databases (rs779502970, gnomAD 0.003%). This variant has not been reported in the literature in individuals affected with UBE3A-related conditions. ClinVar contains an entry for this variant (Variation ID: 2154575). Invitae Evidence Modeling of protein sequence and biophysical properties (such as structural, functional, and spatial information, amino acid conservation, physicochemical variation, residue mobility, and thermodynamic stability) indicates that this missense variant is not expected to disrupt UBE3A protein function with a negative predictive value of 80%. In summary, the available evidence is currently insufficient to determine the role of this variant in disease. Therefore, it has been classified as a Variant of Uncertain Significance.

GeneDx
Classification: Uncertain significance. Last evaluated: 2024-12-12. Review status: criteria provided, single submitter. Criteria: GeneDx Variant Classification Process June 2021. Collection method: clinical testing. Allele origin: germline.
Comment: Not observed at significant frequency in large population cohorts (gnomAD); In silico analysis supports that this missense variant does not alter protein structure/function; Has not been previously published as pathogenic or benign to our knowledge

NM_130839.5(UBE3A):c.494G>A (p.Arg165Gln)

Genes: SNHG14 (small nucleolar RNA host gene 14; plus strand), UBE3A (ubiquitin protein ligase E3A; minus strand). Cytogenetic location: 15q11.2.
Variant type: single nucleotide variant.
Coding change: c.494G>A on transcript NM_130839.5 (MANE Select); coding-DNA position 494, G replaced by A.
Protein change: p.Arg165Gln; replaces arginine 165 with glutamine.
Molecular consequence: missense variant. On other transcripts: non-coding transcript variant (1), intron variant (2).
Genome position (GRCh38, 1-based): chr15:25,371,680, C>T on the plus strand (G>A on the coding strand, the complement: UBE3A is on the minus strand). VCF-style: chr15-25371680-C-T. GRCh37 (hg19) VCF-style: chr15-25616827-C-T.
Other names: c.503G>A, p.Arg168Gln (NM_000462.5); c.494G>A, p.Arg165Gln (NM_001354505.1, NM_001354538.2, NM_001354545.2); c.434G>A, p.Arg145Gln (NM_001354506.2, NM_001354507.2, NM_001354508.2 and 17 more transcripts); c.301+3785G>A (NM_001354551.2); c.361+3785G>A (NM_001354550.2); c.317G>A, p.Arg106Gln (NM_001354546.2); short protein forms R106Q, R145Q, R165Q, R168Q.
Identifiers: ClinVar variation 2154575 (VCV002154575.6), dbSNP rs779502970, ClinGen allele CA7435626.